The following is an entry in ClinVar:

ClinVar aggregate classification (germline): Uncertain significance. Review status: criteria provided, multiple submitters, no conflicts (2 of 4 stars). 3 submissions from 3 submitters: Uncertain significance (3). Last evaluated 2024-02-16.

Conditions:
Fraser syndrome 1 (FRASRS1). Also called: CRYPTOPHTHALMOS WITH OTHER MALFORMATIONS. Identifiers: Orphanet 2052, MedGen C4551480, MONDO:0054737, OMIM 219000.

Allele frequency attached by ClinVar (database versions not stated): gnomAD 0.00001; TOPMed 0.00002.
gnomAD v4.1: 22 of 1,613,084 alleles (0.0014%); highest among the groups gnomAD compares: Middle Eastern, 0.033%; no homozygotes.

Submissions (3):

Fulgent Genetics
Classification: Uncertain significance for Fraser syndrome 1. Last evaluated: 2024-02-16. Review status: criteria provided, single submitter. Criteria: ACMG Guidelines, 2015. Collection method: clinical testing. Allele origin: germline.

Labcorp Genetics (formerly Invitae), Labcorp
Classification: Uncertain significance. Last evaluated: 2022-07-05. Review status: criteria provided, single submitter. Criteria: Invitae Variant Classification Sherloc (09022015). Collection method: clinical testing. Allele origin: germline.
Comment: This sequence change falls in intron 49 of the FRAS1 gene. It does not directly change the encoded amino acid sequence of the FRAS1 protein. It affects a nucleotide within the consensus splice site. This variant is present in population databases (no rsID available, gnomAD no frequency). This variant has not been reported in the literature in individuals affected with FRAS1-related conditions. ClinVar contains an entry for this variant (Variation ID: 489090). Variants that disrupt the consensus splice site are a relatively common cause of aberrant splicing (PMID: 17576681, 9536098). Algorithms developed to predict the effect of sequence changes on RNA splicing suggest that this variant may disrupt the consensus splice site. In summary, the available evidence is currently insufficient to determine the role of this variant in disease. Therefore, it has been classified as a Variant of Uncertain Significance.

GeneDx
Classification: Uncertain significance. Last evaluated: 2019-07-08. Review status: criteria provided, single submitter. Criteria: GeneDx Variant Classification Process June 2021. Collection method: clinical testing. Allele origin: germline. Affected: yes.
Comment: Not observed at a significant frequency in large population cohorts (Lek et al., 2016); In silico analysis, which includes splice predictors and evolutionary conservation, supports a deleterious effect; Has not been previously published as pathogenic or benign to our knowledge

Literature cited by the submitters: PubMed 17576681 (cited by Labcorp Genetics (formerly Invitae), Labcorp); PubMed 9536098 (cited by Labcorp Genetics (formerly Invitae), Labcorp).

NM_025074.7(FRAS1):c.7030-3C>G

Gene: FRAS1 (Fraser extracellular matrix complex subunit 1; plus strand). Cytogenetic location: 4q21.21.
Variant type: single nucleotide variant.
Coding change: c.7030-3C>G on transcript NM_025074.7 (MANE Select); 3 bases into the intron before coding-DNA position 7030, C replaced by G.
Molecular consequence: intron variant.
Genome position (GRCh38, 1-based): chr4:78,466,205, C>G. VCF-style: chr4-78466205-C-G. GRCh37 (hg19) VCF-style: chr4-79387359-C-G.
Identifiers: ClinVar variation 489090 (VCV000489090.8), dbSNP rs1254762800, ClinGen allele CA552765577.